The following is an entry in ClinVar:

ClinVar aggregate classification (germline): Benign. Review status: reviewed by expert panel (3 of 4 stars). 2 submissions from 2 submitters: Benign (1). 1 of the submissions does not count toward it. Last evaluated 2025-01-15.

Conditions:
Hereditary thrombocytopenia and hematologic cancer predisposition syndrome. Identifiers: Orphanet 71290, MedGen CN281654, MONDO:0011071.

Allele frequency attached by ClinVar (database versions not stated): gnomAD 0.00435 and 0.00473; 1000 Genomes Project 0.00479; TOPMed 0.00488; 1000 Genomes Project 30x 0.00500.
gnomAD v4.1: 658 of 152,330 alleles (0.43%); highest among the groups gnomAD compares: African/African-American, 1.5%; 10 homozygotes.

Submissions (2):

ClinGen Myeloid Malignancy Variant Curation Expert Panel
Classification: Benign for Hereditary thrombocytopenia and hematologic cancer predisposition syndrome. Last evaluated: 2025-01-15. Review status: reviewed by expert panel. Criteria: ClinGen MyeloMalig ACMG Specifications v2. Collection method: curation. Allele origin: germline. Inheritance: Autosomal dominant inheritance.
Comment: NM_001754.5(RUNX1):c.508+182A>G is an intronic variant which has not been featured in functional or case studies. Computational data has been used to evaluate this variant. The MAF of 0.01571 in the African subpopulation of the gnomAD v2 cohort allows for application of BA1; the observation of this variant in a homozygous state thrice in the same population allows for the application BP2. This variant has a SpliceAI score of 0, and a PhyloP score of -0.65, allowing for the application of both BP4 and BP7. In summary, this variant meets criteria to be classified as benign. ACMG/AMP criteria applied, as specified by the Myeloid Malignancy Variant Curation Expert Panel for RUNX1: BA1, BP2, BP4, BP7

GeneDx
Classification: Likely benign. Last evaluated: 2018-06-23. Review status: criteria provided, single submitter. Criteria: GeneDx Variant Classification Process June 2021. Collection method: clinical testing. Allele origin: germline. Affected: yes. Not counted in ClinVar's aggregate classification.

NM_001754.5(RUNX1):c.508+182A>G

Genes: RUNX1 (RUNX family transcription factor 1; minus strand), RUNX1-AS1 (RUNX1 antisense RNA 1; plus strand). Cytogenetic location: 21q22.12.
Variant type: single nucleotide variant.
Coding change: c.508+182A>G on transcript NM_001754.5 (MANE Select); 182 bases into the intron after coding-DNA position 508, A replaced by G.
Molecular consequence: intron variant.
Genome position (GRCh38, 1-based): chr21:34,880,375, T>C on the plus strand (A>G on the coding strand, the complement: RUNX1 is on the minus strand). VCF-style: chr21-34880375-T-C. GRCh37 (hg19) VCF-style: chr21-36252672-T-C.
Other names: c.427+182A>G (NM_001001890.3, NM_001122607.2).
Identifiers: ClinVar variation 1203357 (VCV001203357.4), dbSNP rs76637156, ClinGen allele CA320637602.